The following is an entry in ClinVar:

ClinVar aggregate classification (germline): Uncertain significance (1 of 4 stars; one submission).

Submission:

Labcorp Genetics (formerly Invitae), Labcorp
Classification: Uncertain significance. Last evaluated: 2021-04-11. Review status: criteria provided, single submitter. Criteria: Invitae Variant Classification Sherloc (09022015). Collection method: clinical testing. Allele origin: germline.
Comment: This sequence change replaces valine with alanine at codon 6138 of the ADGRV1 protein (p.Val6138Ala). The valine residue is moderately conserved and there is a small physicochemical difference between valine and alanine. In summary, the available evidence is currently insufficient to determine the role of this variant in disease. Therefore, it has been classified as a Variant of Uncertain Significance. This variant is not present in population databases (ExAC no frequency). This variant has not been reported in the literature in individuals with ADGRV1-related conditions. Algorithms developed to predict the effect of missense changes on protein structure and function (SIFT, PolyPhen-2, Align-GVGD) all suggest that this variant is likely to be disruptive, but these predictions have not been confirmed by published functional studies and their clinical significance is uncertain.

NM_032119.4(ADGRV1):c.18413T>C (p.Val6138Ala)

Gene: ADGRV1 (adhesion G protein-coupled receptor V1; plus strand). Cytogenetic location: 5q14.3.
Variant type: single nucleotide variant.
Coding change: c.18413T>C on transcript NM_032119.4 (MANE Select); coding-DNA position 18413, T replaced by C.
Protein change: p.Val6138Ala; replaces valine 6138 with alanine.
Molecular consequence: missense variant. On other transcripts: non-coding transcript variant (1).
Genome position (GRCh38, 1-based): chr5:91,102,321, T>C. VCF-style: chr5-91102321-T-C. GRCh37 (hg19) VCF-style: chr5-90398138-T-C.
Other names: short protein forms V6138A.
Identifiers: ClinVar variation 1386789 (VCV001386789.8), dbSNP rs2126647226, ClinGen allele CA360431566.
Genomic context (GRCh38, chr5:91,102,321, plus strand): 5'-CATGGCTTTGGGGAGGACTACACATGGCCTACAGACACTTCTGGATGTTGGTTCTCTTTG[T>C]CATTTTCAACAGTCTGCAGGTAAGCCTTACAATTTGGTTAGTGACAACATACATTTATCT-3'
Protein context (NP_115495.3, residues 6128-6148): YRHFWMLVLF[Val6138Ala]IFNSLQGLYV